The following is an entry in ClinVar:

NM_002700.3(POU4F3):c.792C>T (p.Ser264=)

Genes: RBM27-POU4F3 (RBM27-POU4F3 readthrough; plus strand), POU4F3 (POU class 4 homeobox 3; plus strand). Cytogenetic location: 5q32.
Variant type: single nucleotide variant.
Coding change: c.792C>T on transcript NM_002700.3 (MANE Select); coding-DNA position 792, C replaced by T.
Protein change: p.Ser264=; no amino-acid change (serine 264 retained).
Molecular consequence: synonymous variant.
Genome position (GRCh38, 1-based): chr5:146,340,219, C>T. VCF-style: chr5-146340219-C-T. GRCh37 (hg19) VCF-style: chr5-145719782-C-T.
Identifiers: ClinVar variation 227856 (VCV000227856.20), dbSNP rs149975083, ClinGen allele CA3491202.

ClinVar aggregate classification (germline): Benign/Likely benign. Review status: criteria provided, multiple submitters, no conflicts (2 of 4 stars). 5 submissions from 5 submitters: Benign (4); Likely benign (1). Last evaluated 2026-01-06.

Conditions:
Autosomal dominant nonsyndromic hearing loss 15 (DFNA15). Also called: Autosomal dominant nonsyndromic hearing loss 52; DEAFNESS, AUTOSOMAL DOMINANT 52. Identifiers: Orphanet 90635, MedGen C1865366, MONDO:0011226, OMIM 602459.

Allele frequency attached by ClinVar (database versions not stated): ESP Exome Variant Server 0.00015; gnomAD 0.00016; TOPMed 0.00028; 1000 Genomes Project 30x 0.00078; 1000 Genomes Project 0.00100.
gnomAD v4.1: 382 of 1,614,232 alleles (0.024%); highest among the groups gnomAD compares: East Asian, 0.75%; 3 homozygotes.

Submissions (5):

Labcorp Genetics (formerly Invitae), Labcorp
Classification: Benign. Last evaluated: 2026-01-06. Review status: criteria provided, single submitter. Criteria: Invitae Variant Classification Sherloc (09022015). Collection method: clinical testing. Allele origin: germline.

Blueprint Genetics
Classification: Likely benign. Last evaluated: 2024-10-28. Review status: criteria provided, single submitter. Criteria: ACMG Guidelines, 2015. Collection method: clinical testing. Allele origin: germline.

GeneDx
Classification: Benign. Last evaluated: 2019-07-17. Review status: criteria provided, single submitter. Criteria: GeneDx Variant Classification Process June 2021. Collection method: clinical testing. Allele origin: germline. Affected: yes.

Illumina Laboratory Services, Illumina
Classification: Benign for Autosomal dominant nonsyndromic hearing loss 15. Last evaluated: 2018-01-13. Review status: criteria provided, single submitter. Criteria: ICSL Variant Classification Criteria 13 December 2019. Collection method: clinical testing. Allele origin: germline.
Comment: This variant was observed in the ICSL laboratory as part of a predisposition screen in an ostensibly healthy population. It had not been previously curated by ICSL or reported in the Human Gene Mutation Database (HGMD: prior to June 1st, 2018), and was therefore a candidate for classification through an automated scoring system. Utilizing variant allele frequency, disease prevalence and penetrance estimates, and inheritance mode, an automated score was calculated to assess if this variant is too frequent to cause the disease. Based on the score and internal cut-off values, a variant classified as benign is not then subjected to further curation. The score for this variant resulted in a classification of benign for this disease.

Laboratory for Molecular Medicine, Mass General Brigham Personalized Medicine
Classification: Benign. Last evaluated: 2017-04-20. Review status: criteria provided, single submitter. Criteria: LMM Criteria. Collection method: clinical testing. Allele origin: germline. Observed: 3 variant alleles.
Comment: p.Ser264Ser in exon 02 of POU4F3: This variant is not expected to have clinical significance because it does not alter an amino acid residue, is not located wit hin the splice consensus sequence, and has been identified in 0.6% (115/18864) o f East Asian chromosomes by the Genome Aggregation Database (gnomAD; dbSNP rs149975083).